The following is an entry in ClinVar:

NM_021008.4(DEAF1):c.762A>C (p.Arg254Ser)

Gene: DEAF1 (DEAF1 transcription factor; minus strand). Cytogenetic location: 11p15.5.
Variant type: single nucleotide variant.
Coding change: c.762A>C on transcript NM_021008.4 (MANE Select); coding-DNA position 762, A replaced by C.
Protein change: p.Arg254Ser; replaces arginine 254 with serine.
Molecular consequence: missense variant. On other transcripts: intron variant (1).
Genome position (GRCh38, 1-based): chr11:686,900, T>G on the plus strand (A>C on the coding strand, the complement: DEAF1 is on the minus strand). VCF-style: chr11-686900-T-G. GRCh37 (hg19) VCF-style: chr11-686900-T-G.
Other names: c.36A>C, p.Arg12Ser (NM_001367390.1, NM_001440885.1, NM_001440886.1 and 1 more transcripts); c.762A>C, p.Arg254Ser (NM_001440883.1, NM_001440884.1); c.664+1011A>C (NM_001293634.2); short protein forms R254S, R12S.
Identifiers: ClinVar variation 133294 (VCV000133294.6), dbSNP rs587777409, ClinGen allele CA156401.

ClinVar aggregate classification (germline): Pathogenic. Review status: criteria provided, single submitter (1 of 4 stars). 3 submissions from 3 submitters: Pathogenic (1). 2 of the submissions do not count toward it. Last evaluated 2023-01-16.

Conditions:
DEAF1-related disorder.
Intellectual disability, autosomal dominant 24 (VSVS). Also called: VULTO-VAN SILFHOUT-DE VRIES SYNDROME. Identifiers: MedGen C4014414, MONDO:0014357, OMIM 615828.

Submissions (3):

GeneDx
Classification: Pathogenic. Last evaluated: 2023-01-16. Review status: criteria provided, single submitter. Criteria: GeneDx Variant Classification Process June 2021. Collection method: clinical testing. Allele origin: germline. Affected: yes.
Comment: In vitro studies demonstrated that the R254S variant reduced DNA binding ability of the DEAF1 protein, however, R254S continued to activate Eif4g3 reporter expression (Vulto-van Silfhout et al., 2014); Not observed in large population cohorts (gnomAD); In silico analysis, which includes protein predictors and evolutionary conservation, supports a deleterious effect; This variant is associated with the following publications: (PMID: 29366832, 31031587, 33705764, 24726472)

PreventionGenetics, part of Exact Sciences
Classification: Pathogenic for DEAF1-related condition. Last evaluated: 2024-09-17. Review status: no assertion criteria provided. Collection method: clinical testing. Allele origin: germline. Not counted in ClinVar's aggregate classification.
Comment: The DEAF1 c.762A>C variant is predicted to result in the amino acid substitution p.Arg254Ser. This variant was reported as de novo in multiple individuals with intellectual disability with neurodevelopmental disorder (Vulto-van Silfhout et al. 2014. PubMed ID: 24726472; Xiong et al. 2019. PubMed ID: 31031587; Chen et al. 2021. PubMed ID: 33705764; Table S1, McGee et al. 2023. PubMed ID: 35981081). This variant has not been reported in a large population database, indicating this variant is rare. This variant is interpreted as pathogenic.

OMIM
Classification: Pathogenic for VULTO-VAN SILFHOUT-DE VRIES SYNDROME. Last evaluated: 2014-05-01. Review status: no assertion criteria provided. Collection method: literature only. Allele origin: germline. Not counted in ClinVar's aggregate classification.

Literature cited by the submitters: PubMed 24726472 (cited by OMIM).